The following is an entry in ClinVar:

NM_000228.3(LAMB3):c.372+1G>C

Gene: LAMB3 (laminin subunit beta 3; minus strand). Cytogenetic location: 1q32.2.
Variant type: single nucleotide variant.
Coding change: c.372+1G>C on transcript NM_000228.3 (MANE Select); the canonical splice donor site of the intron after coding-DNA position 372, G replaced by C.
Molecular consequence: splice donor variant.
Genome position (GRCh38, 1-based): chr1:209,637,907, C>G on the plus strand (G>C on the coding strand, the complement: LAMB3 is on the minus strand). VCF-style: chr1-209637907-C-G. GRCh37 (hg19) VCF-style: chr1-209811252-C-G.
Other names: c.372+1G>C (NM_001127641.1, NM_001017402.2).
Identifiers: ClinVar variation 553322 (VCV000553322.11), dbSNP rs1553279044, ClinGen allele CA344597115.

ClinVar aggregate classification (germline): Likely pathogenic. Review status: criteria provided, multiple submitters, no conflicts (2 of 4 stars). 3 submissions from 3 submitters: Likely pathogenic (2). 1 of the submissions does not count toward it. Last evaluated 2026-08-10.

Conditions:
Junctional epidermolysis bullosa gravis of Herlitz. Also called: EPIDERMOLYSIS BULLOSA, JUNCTIONAL 1B, SEVERE; Epidermolysis Bullosa Letalis; Herlitz-type junctional epidermolysis bullosa; EPIDERMOLYSIS BULLOSA JUNCTIONALIS, HERLITZ TYPE; EPIDERMOLYSIS BULLOSA, JUNCTIONAL, HERLITZ-PEARSON TYPE; JEB-HERLITZ TYPE. Identifiers: Orphanet 79404, MedGen C0079683, MONDO:0009182, OMIM 226700.
Junctional epidermolysis bullosa. Identifiers: Orphanet 305, MedGen C0079301, MONDO:0017612.

Submissions (3):

Myriad Genetics, Inc.
Classification: Likely pathogenic for Junctional epidermolysis bullosa. Last evaluated: 2026-08-10. Review status: criteria provided, single submitter. Criteria: Myriad Autosomal Dominant, Autosomal Recessive and X-Linked Classification Criteria (2023). Collection method: clinical testing. Allele origin: unknown.
Comment: NM_000228.2(LAMB3):c.372+1G>C is a variant in a canonical splice site classified as likely pathogenic in the context of junctional epidermolysis bullosa, LAMB3-related. c.372+1G>C has not been observed in cases with relevant disease. Relevant functional assessments of this variant are not available in the literature. c.372+1G>C has not been observed in referenced population frequency databases. In summary, NM_000228.2(LAMB3):c.372+1G>C is a variant in a canonical splice site in a gene where loss of function is a known mechanism of disease and is predicted to disrupt protein function. Please note: this variant was assessed in the context of healthy population screening.

Labcorp Genetics (formerly Invitae), Labcorp
Classification: Likely pathogenic. Last evaluated: 2021-05-04. Review status: criteria provided, single submitter. Criteria: Invitae Variant Classification Sherloc (09022015). Collection method: clinical testing. Allele origin: germline.
Comment: This sequence change affects a donor splice site in intron 5 of the LAMB3 gene. It is expected to disrupt RNA splicing. Variants that disrupt the donor or acceptor splice site typically lead to a loss of protein function (PMID: 16199547), and loss-of-function variants in LAMB3 are known to be pathogenic (PMID: 11023379, 16473856). This variant is not present in population databases (ExAC no frequency). This variant has not been reported in the literature in individuals with LAMB3-related conditions. ClinVar contains an entry for this variant (Variation ID: 553322). Algorithms developed to predict the effect of sequence changes on RNA splicing suggest that this variant may disrupt the consensus splice site, but this prediction has not been confirmed by published transcriptional studies. In summary, the currently available evidence indicates that the variant is pathogenic, but additional data are needed to prove that conclusively. Therefore, this variant has been classified as Likely Pathogenic.

Counsyl
Classification: Likely pathogenic for Junctional epidermolysis bullosa gravis of Herlitz. Last evaluated: 2017-08-15. Review status: no assertion criteria provided. Collection method: clinical testing. Allele origin: unknown. Not counted in ClinVar's aggregate classification.

Literature cited by the submitters: PubMed 16199547 (cited by Labcorp Genetics (formerly Invitae), Labcorp); PubMed 11023379 (cited by Labcorp Genetics (formerly Invitae), Labcorp); PubMed 16473856 (cited by Labcorp Genetics (formerly Invitae), Labcorp).